The following is an entry in ClinVar:

ClinVar aggregate classification (germline): Uncertain significance (1 of 4 stars; one submission).

Allele frequency attached by ClinVar (database versions not stated): gnomAD exomes below 0.00001.
gnomAD v4.1: 1 of 1,614,220 alleles (0.000062%); highest among the groups gnomAD compares: South Asian, 0.0011%; no homozygotes.

Submission:

Labcorp Genetics (formerly Invitae), Labcorp
Classification: Uncertain significance. Last evaluated: 2020-03-11. Review status: criteria provided, single submitter. Criteria: Invitae Variant Classification Sherloc (09022015). Collection method: clinical testing. Allele origin: germline.
Comment: Algorithms developed to predict the effect of missense changes on protein structure and function (SIFT, PolyPhen-2, Align-GVGD) all suggest that this variant is likely to be disruptive, but these predictions have not been confirmed by published functional studies and their clinical significance is uncertain. This variant has not been reported in the literature in individuals with ABCA4-related conditions. This variant is not present in population databases (ExAC no frequency). This sequence change replaces tyrosine with histidine at codon 400 of the ABCA4 protein (p.Tyr400His). The tyrosine residue is weakly conserved and there is a moderate physicochemical difference between tyrosine and histidine. In summary, the available evidence is currently insufficient to determine the role of this variant in disease. Therefore, it has been classified as a Variant of Uncertain Significance.

NM_000350.3(ABCA4):c.1198T>C (p.Tyr400His)

Gene: ABCA4 (ATP binding cassette subfamily A member 4; minus strand). Cytogenetic location: 1p22.1.
Variant type: single nucleotide variant.
Coding change: c.1198T>C on transcript NM_000350.3 (MANE Select); coding-DNA position 1198, T replaced by C.
Protein change: p.Tyr400His; replaces tyrosine 400 with histidine.
Molecular consequence: missense variant.
Genome position (GRCh38, 1-based): chr1:94,079,363, A>G on the plus strand (T>C on the coding strand, the complement: ABCA4 is on the minus strand). VCF-style: chr1-94079363-A-G. GRCh37 (hg19) VCF-style: chr1-94544919-A-G.
Other names: c.1198T>C, p.Tyr400His (NM_001425324.1); short protein forms Y400H.
Identifiers: ClinVar variation 1022130 (VCV001022130.8), dbSNP rs1661624556, ClinGen allele CA341283333.
Genomic context (GRCh38, chr1:94,079,363, plus strand): 5'-AGCCCAGCTGGGATCTTACATTCTTCAGTATCCTTCGTGCTGCAGGTGAATCAGGAGTGT[A>G]CAGGATTTTTCCCATCAGCAAAGGCTTTGCCGCCCTCCAAGCGATTTTGGTTAAAGGATT-3'
Protein context (NP_000341.2, residues 390-410): AKPLLMGKIL[Tyr400His]TPDSPAARRI